The following is an entry in ClinVar:

NM_002519.3(NPAT):c.2965C>G (p.Pro989Ala)

Gene: NPAT (nuclear protein, coactivator of histone transcription; minus strand). Cytogenetic location: 11q22.3.
Variant type: single nucleotide variant.
Coding change: c.2965C>G on transcript NM_002519.3 (MANE Select); coding-DNA position 2965, C replaced by G.
Protein change: p.Pro989Ala; replaces proline 989 with alanine.
Molecular consequence: missense variant.
Genome position (GRCh38, 1-based): chr11:108,169,789, G>C on the plus strand (C>G on the coding strand, the complement: NPAT is on the minus strand). VCF-style: chr11-108169789-G-C. GRCh37 (hg19) VCF-style: chr11-108040516-G-C.
Other names: c.2965C>G, p.Pro989Ala (NM_001321307.1); short protein forms P989A.
Identifiers: ClinVar variation 2587676 (VCV002587676.2), dbSNP rs1203728434, ClinGen allele CA382511850.

ClinVar aggregate classification (germline): Uncertain significance (1 of 4 stars; one submission).

gnomAD v4.1: 1 of 1,613,980 alleles (0.000062%); highest among the groups gnomAD compares: East Asian, 0.0022%; no homozygotes.

Submission:

Ambry Genetics
Classification: Uncertain significance. Last evaluated: 2023-08-05. Review status: criteria provided, single submitter. Criteria: Ambry Variant Classification Scheme 2023. Collection method: clinical testing. Allele origin: germline.
Comment: The p.P989A variant (also known as c.2965C>G), located in coding exon 15 of the NPAT gene, results from a C to G substitution at nucleotide position 2965. The proline at codon 989 is replaced by alanine, an amino acid with highly similar properties. This amino acid position is conserved. In addition, this alteration is predicted to be tolerated by in silico analysis. Since supporting evidence is limited at this time, the clinical significance of this alteration remains unclear.